The following is an entry in ClinVar:

ClinVar aggregate classification (germline): Conflicting classifications of pathogenicity. Review status: criteria provided, conflicting classifications (1 of 4 stars). 10 submissions from 10 submitters: Uncertain significance (9); Benign (1). Last evaluated 2026-07-08.

Conditions:
Hereditary nonpolyposis colorectal neoplasms. Identifiers: MedGen C0009405, MeSH D003123.
Lynch syndrome. Identifiers: Orphanet 144, MedGen C4552100, MONDO:0005835. Disease mechanism: loss of function.
Lynch syndrome 5 (LYNCH5). Also called: Hereditary non-polyposis colorectal cancer, type 5; Colorectal cancer, hereditary nonpolyposis, type 5. Identifiers: Orphanet 144, MedGen C1833477, MONDO:0013710, OMIM 614350. Disease mechanism: loss of function.
Mismatch repair cancer syndrome 3. Identifiers: MedGen C5436807, MONDO:0030841, OMIM 619097.
Endometrial carcinoma. Also called: Endometrial carcinoma, somatic. Identifiers: MedGen C0476089, MONDO:0002447, OMIM 608089, HP:0012114.
Hereditary cancer-predisposing syndrome. Also called: Hereditary Cancer Syndrome; Tumor predisposition; Hereditary neoplastic syndrome; Neoplastic Syndromes, Hereditary. Identifiers: Orphanet 140162, MedGen C0027672, MeSH D009386, MONDO:0015356.

gnomAD v4.1: 12 of 1,593,790 alleles (0.00075%); highest among the groups gnomAD compares: African/African-American, 0.0027%; no homozygotes.

Submissions (10):

Hema, HEMA – Genetic and Molecular Diagnostic Laboratory
Classification: Uncertain significance for Lynch syndrome. Last evaluated: 2026-07-08. Review status: criteria provided, single submitter. Criteria: HEMA Variant Classification Assertion Criteria. Collection method: clinical testing. Allele origin: germline.
Comment: The c.146C>T p.(Ala49Val) variant is a transition from cytosine to thymine, resulting in the substitution of alanine 49 with valine in the MSH6 protein. PM2_Supporting: Present at very low frequency in the gnomAD v4.1.1 database. BP4: Prior probability of pathogenicity score MAPP/PP2 = 0.0325 < 0.11.

Dasa
Classification: Uncertain significance. Last evaluated: 2026-04-02. Review status: criteria provided, single submitter. Criteria: DASA Assertion Criteria. Collection method: clinical testing. Allele origin: germline.
Comment: NM_000179.3(MSH6):c.146C>T (p.Ala49Val) is a missense variant that results in the substitution of alanine with valine. This variant is rare in population databases. The currently available literature and clinical evidence are not sufficient to establish a definitive association between this variant and the reported condition. Therefore, this variant is classified as a variant of uncertain significance.

Labcorp Genetics (formerly Invitae), Labcorp
Classification: Benign for Hereditary nonpolyposis colorectal neoplasms. Last evaluated: 2026-01-20. Review status: criteria provided, single submitter. Criteria: Invitae Variant Classification Sherloc (09022015). Collection method: clinical testing. Allele origin: germline.

Center for Genomic Medicine, Rigshospitalet, Copenhagen University Hospital
Classification: Uncertain significance. Last evaluated: 2025-03-04. Review status: criteria provided, single submitter. Criteria: ACMG Guidelines, 2015. Collection method: clinical testing. Allele origin: germline.

CeGaT Center for Human Genetics Tuebingen
Classification: Uncertain significance. Last evaluated: 2025-01-01. Review status: criteria provided, single submitter. Criteria: CeGaT Center For Human Genetics Tuebingen Variant Classification Criteria Version 2. Collection method: clinical testing. Allele origin: germline. Affected: yes. Observed: 1 variant allele.
Comment: MSH6: PP3, BP1

Color Diagnostics, LLC DBA Color Health
Classification: Uncertain significance for Hereditary cancer-predisposing syndrome. Last evaluated: 2024-12-11. Review status: criteria provided, single submitter. Criteria: ACMG Guidelines, 2015. Collection method: clinical testing. Allele origin: germline.
Comment: This missense variant replaces alanine with valine at codon 49 of the MSH6 protein. Computational prediction suggests that this variant may not impact protein structure and function (internally defined REVEL score threshold <= 0.5, PMID: 27666373). To our knowledge, functional studies have not been reported for this variant. This variant has not been reported in individuals affected with MSH6-related disorders in the literature. This variant has been identified in 4/204472 chromosomes in the general population by the Genome Aggregation Database (gnomAD). The available evidence is insufficient to determine the role of this variant in disease conclusively. Therefore, this variant is classified as a Variant of Uncertain Significance.

Ambry Genetics
Classification: Uncertain significance for Hereditary cancer-predisposing syndrome. Last evaluated: 2024-02-29. Review status: criteria provided, single submitter. Criteria: Ambry Variant Classification Scheme 2023. Collection method: clinical testing. Allele origin: germline.
Comment: The p.A49V variant (also known as c.146C>T), located in coding exon 1 of the MSH6 gene, results from a C to T substitution at nucleotide position 146. The alanine at codon 49 is replaced by valine, an amino acid with similar properties. This amino acid position is highly conserved in available vertebrate species. In addition, this alteration is predicted to be tolerated by in silico analysis. Based on the available evidence, the clinical significance of this alteration remains unclear.

All of Us Research Program, National Institutes of Health
Classification: Uncertain significance for Lynch syndrome. Last evaluated: 2023-12-13. Review status: criteria provided, single submitter. Criteria: ACMG Guidelines, 2015. Collection method: clinical testing. Allele origin: germline. Inheritance: Autosomal dominant inheritance. Observed: 2 variant alleles, 2 heterozygotes.
Comment: This missense variant replaces alanine with valine at codon 49 of the MSH6 protein. Computational prediction suggests that this variant may not impact protein structure and function (internally defined REVEL score threshold <= 0.5, PMID: 27666373). To our knowledge, functional studies have not been reported for this variant. This variant has not been reported in individuals affected with MSH6-related disorders in the literature. This variant has been identified in 4/204472 chromosomes in the general population by the Genome Aggregation Database (gnomAD). The available evidence is insufficient to determine the role of this variant in disease conclusively. Therefore, this variant is classified as a Variant of Uncertain Significance.

This study involves interpretation of variants in research participants for the purpose of population health screening. Participant phenotype was not available at the time of variant classification. Additional details can be found in publication PMID: 35346344, PMCID: PMC8962531

Department of Pathology and Laboratory Medicine, Sinai Health System
Classification: Uncertain significance for Endometrial carcinoma; Lynch syndrome 5; Mismatch repair cancer syndrome 3. Last evaluated: 2023-03-13. Review status: criteria provided, single submitter. Criteria: ACMG Guidelines, 2015. Collection method: clinical testing. Allele origin: germline. Affected: no.

Clinical Genetics Laboratory, Skane University Hospital Lund
Classification: Uncertain significance. Last evaluated: 2022-05-27. Review status: criteria provided, single submitter. Criteria: ACMG Guidelines, 2015. Collection method: clinical testing. Allele origin: germline. Affected: yes.

NM_000179.3(MSH6):c.146C>T (p.Ala49Val)

Gene: MSH6 (mutS homolog 6; plus strand). Cytogenetic location: 2p16.3.
Variant type: single nucleotide variant.
Coding change: c.146C>T on transcript NM_000179.3 (MANE Select); coding-DNA position 146, C replaced by T.
Protein change: p.Ala49Val; replaces alanine 49 with valine.
Molecular consequence: missense variant. On other transcripts: 5 prime UTR variant (1).
Genome position (GRCh38, 1-based): chr2:47,783,379, C>T. VCF-style: chr2-47783379-C-T. GRCh37 (hg19) VCF-style: chr2-48010518-C-T.
Other names: c.146C>T, p.Ala49Val (NM_001281492.2); c.-591C>T (NM_001281493.2); short protein forms A49V.
Identifiers: ClinVar variation 237135 (VCV000237135.38), dbSNP rs775498550, ClinGen allele CA067716.